The following is an entry in ClinVar:

ClinVar aggregate classification (germline): Benign. Review status: reviewed by expert panel (3 of 4 stars). 3 submissions from 3 submitters: Benign (1). 2 of the submissions do not count toward it. Last evaluated 2020-05-13.

Conditions:
Hereditary thrombocytopenia and hematologic cancer predisposition syndrome. Identifiers: Orphanet 71290, MedGen CN281654, MONDO:0011071.
Hereditary thrombocytopenia and hematological cancer predisposition syndrome associated with RUNX1. Also called: PLATELET DISORDER, ASPIRIN-LIKE; RUNX1 Familial Platelet Disorder with Associated Myeloid Malignancies; Familial Platelet Disorder with Propensity to Acute Myelogenous Leukemia; Familial thrombocytopenia with propensity to acute myelogenous leukemia. Identifiers: Orphanet 71290, MedGen C1832388, MeSH C563324, MONDO:0100083, OMIM 601399.

Allele frequency attached by ClinVar (database versions not stated): gnomAD 0.00011 and 0.00090; TOPMed 0.00020; gnomAD exomes 0.00038; 1000 Genomes Project 0.00599; 1000 Genomes Project 30x 0.00671.
gnomAD v4.1: 163 of 233,634 alleles (0.07%); highest among the groups gnomAD compares: South Asian, 2.5%; 3 homozygotes.

Submissions (3):

ClinGen Myeloid Malignancy Variant Curation Expert Panel
Classification: Benign for Hereditary thrombocytopenia and hematologic cancer predisposition syndrome. Last evaluated: 2020-05-13. Review status: reviewed by expert panel. Criteria: ClinGen MyeloMalig ACMG Specifications v1. Collection method: curation. Allele origin: germline. Inheritance: Autosomal dominant inheritance.
Comment: The RUNX1 c.*1823A>C variant in the 3' UTR has an MAF of 0.02230 (2.2%, 68/3050 alleles) in the South Asian subpopulation of the gnomAD v3 cohort and is >= 0.0015 (0.15%) (BA1). This variant is detected in a homozygous state in 1 individual in the gnomAD v3 population database (BP2). In summary, this variant meets criteria to be classified as benign. ACMG/AMP criteria applied, as specified by the Myeloid Malignancy Variant Curation Expert Panel for RUNX1: BA1, BP2.

Illumina Laboratory Services, Illumina
Classification: Benign for Hereditary thrombocytopenia and hematological cancer predisposition syndrome associated with RUNX1. Last evaluated: 2018-01-12. Review status: criteria provided, single submitter. Criteria: ICSL Variant Classification Criteria 13 December 2019. Collection method: clinical testing. Allele origin: germline. Not counted in ClinVar's aggregate classification.
Comment: This variant was observed in the ICSL laboratory as part of a predisposition screen in an ostensibly healthy population. It had not been previously curated by ICSL or reported in the Human Gene Mutation Database (HGMD: prior to June 1st, 2018), and was therefore a candidate for classification through an automated scoring system. Utilizing variant allele frequency, disease prevalence and penetrance estimates, and inheritance mode, an automated score was calculated to assess if this variant is too frequent to cause the disease. Based on the score and internal cut-off values, a variant classified as benign is not then subjected to further curation. The score for this variant resulted in a classification of benign for this disease.

Breakthrough Genomics
Classification: Benign. Review status: criteria provided, single submitter. Criteria: ACMG Guidelines, 2015. Collection method: not provided. Allele origin: germline. Inheritance: Autosomal dominant inheritance. Affected: yes. Not counted in ClinVar's aggregate classification.

NM_001754.5(RUNX1):c.*1823A>C

Gene: RUNX1 (RUNX family transcription factor 1; minus strand). Cytogenetic location: 21q22.12.
Variant type: single nucleotide variant.
Coding change: c.*1823A>C on transcript NM_001754.5 (MANE Select); 1823 bases downstream of the stop codon, A replaced by C.
Molecular consequence: 3 prime UTR variant.
Genome position (GRCh38, 1-based): chr21:34,790,312, T>G on the plus strand (A>C on the coding strand, the complement: RUNX1 is on the minus strand). VCF-style: chr21-34790312-T-G. GRCh37 (hg19) VCF-style: chr21-36162609-T-G.
Other names: c.*1823A>C (NM_001754.4, NM_001001890.3).
Identifiers: ClinVar variation 339841 (VCV000339841.7), dbSNP rs369678325, ClinGen allele CA10653561.